The following is an entry in ClinVar:

ClinVar aggregate classification (germline): Uncertain significance (1 of 4 stars; one submission).

Conditions:
Nance-Horan syndrome (NHS). Identifiers: Orphanet 627, MedGen C0796085, MONDO:0010545, OMIM 302350.

Allele frequency attached by ClinVar (database versions not stated): gnomAD exomes below 0.00001; TOPMed 0.00001; ExAC 0.00002; gnomAD 0.00002.
gnomAD v4.1: 7 of 1,210,676 alleles (0.00058%); highest among the groups gnomAD compares: East Asian, 0.018%; no homozygotes.

Submission:

Labcorp Genetics (formerly Invitae), Labcorp
Classification: Uncertain significance for Nance-Horan syndrome. Last evaluated: 2023-05-30. Review status: criteria provided, single submitter. Criteria: Invitae Variant Classification Sherloc (09022015). Collection method: clinical testing. Allele origin: germline.
Comment: Advanced modeling of protein sequence and biophysical properties (such as structural, functional, and spatial information, amino acid conservation, physicochemical variation, residue mobility, and thermodynamic stability) performed at Invitae indicates that this missense variant is not expected to disrupt NHS protein function. This variant has not been reported in the literature in individuals affected with NHS-related conditions. This variant is present in population databases (rs765508323, gnomAD 0.03%). This sequence change replaces serine, which is neutral and polar, with phenylalanine, which is neutral and non-polar, at codon 745 of the NHS protein (p.Ser745Phe). In summary, the available evidence is currently insufficient to determine the role of this variant in disease. Therefore, it has been classified as a Variant of Uncertain Significance.

NM_001291867.2(NHS):c.2297C>T (p.Ser766Phe)

Gene: NHS (NHS actin remodeling regulator; plus strand). Cytogenetic location: Xp22.13.
Variant type: single nucleotide variant.
Coding change: c.2297C>T on transcript NM_001291867.2 (MANE Select); coding-DNA position 2297, C replaced by T.
Protein change: p.Ser766Phe; replaces serine 766 with phenylalanine.
Molecular consequence: missense variant.
Genome position (GRCh38, 1-based): chrX:17,726,403, C>T. VCF-style: chrX-17726403-C-T. GRCh37 (hg19) VCF-style: chrX-17744523-C-T.
Other names: c.1766C>T, p.Ser589Phe (NM_001136024.4); c.1703C>T, p.Ser568Phe (NM_001291868.2); c.2234C>T, p.Ser745Phe (NM_198270.4); short protein forms S745F, S589F, S766F, S568F.
Identifiers: ClinVar variation 2998345 (VCV002998345.3), dbSNP rs765508323, ClinGen allele CA10358712.